The following is an entry in ClinVar:

NM_001165963.4(SCN1A):c.1047T>G (p.Tyr349Ter)

Gene: SCN1A (sodium voltage-gated channel alpha subunit 1; minus strand). Cytogenetic location: 2q24.3.
Variant type: single nucleotide variant.
Coding change: c.1047T>G on transcript NM_001165963.4 (MANE Select); coding-DNA position 1047, T replaced by G.
Protein change: p.Tyr349Ter; replaces tyrosine 349 with a stop codon.
Molecular consequence: nonsense. On other transcripts: 5 prime UTR variant (1), non-coding transcript variant (1).
Genome position (GRCh38, 1-based): chr2:166,047,750, A>C on the plus strand (T>G on the coding strand, the complement: SCN1A is on the minus strand). VCF-style: chr2-166047750-A-C. GRCh37 (hg19) VCF-style: chr2-166904260-A-C.
Other names: c.1047T>G, p.Tyr349Ter (NM_001165964.3, NM_001202435.3, NM_001353948.2 and 10 more transcripts); c.-1379T>G (NM_001353961.2); c.1047T>G (NM_001202435.1); short protein forms Y349*.
Identifiers: ClinVar variation 851618 (VCV000851618.5), dbSNP rs1369404945, ClinGen allele CA349071418.

ClinVar aggregate classification (germline): Pathogenic. Review status: criteria provided, multiple submitters, no conflicts (2 of 4 stars). 2 submissions from 2 submitters: Pathogenic (2). Last evaluated 2023-10-03.

Conditions:
SCN1A-related disorder. Also called: SCN1A-related disorders; SCN1A-related conditions; SCN1A-related condition.
Developmental and epileptic encephalopathy. Identifiers: MedGen C5779964, MONDO:0100620.

Submissions (2):

PreventionGenetics, part of Exact Sciences
Classification: Pathogenic for SCN1A-related condition. Last evaluated: 2023-10-03. Review status: criteria provided, single submitter. Criteria: ACMG Guidelines, 2015. Collection method: clinical testing. Allele origin: germline.
Comment: The SCN1A c.1047T>G variant is predicted to result in premature protein termination (p.Tyr349*). To our knowledge, this variant has not been reported in the literature or in a large population database, indicating this variant is rare. Nonsense variants in SCN1A are expected to be pathogenic. This variant is interpreted as pathogenic.

Labcorp Genetics (formerly Invitae), Labcorp
Classification: Pathogenic for Early-infantile DEE. Last evaluated: 2019-05-27. Review status: criteria provided, single submitter. Criteria: Invitae Variant Classification Sherloc (09022015). Collection method: clinical testing. Allele origin: germline.
Comment: This sequence change creates a premature translational stop signal (p.Tyr349*) in the SCN1A gene. It is expected to result in an absent or disrupted protein product. This variant is not present in population databases (ExAC no frequency). This variant has not been reported in the literature in individuals with SCN1A-related conditions. Loss-of-function variants in SCN1A are known to be pathogenic (PMID: 17347258, 18930999). For these reasons, this variant has been classified as Pathogenic.

Literature cited by the submitters: PubMed 17347258 (cited by Labcorp Genetics (formerly Invitae), Labcorp); PubMed 18930999 (cited by Labcorp Genetics (formerly Invitae), Labcorp).